The following is an entry in ClinVar:

NM_000516.7(GNAS):c.628A>G (p.Thr210Ala)

Gene: GNAS (GNAS complex locus; plus strand). Cytogenetic location: 20q13.32.
Variant type: single nucleotide variant.
Coding change: c.628A>G on transcript NM_000516.7 (MANE Select); coding-DNA position 628, A replaced by G.
Protein change: p.Thr210Ala; replaces threonine 210 with alanine.
Molecular consequence: missense variant. On other transcripts: 3 prime UTR variant (2).
Genome position (GRCh38, 1-based): chr20:58,909,392, A>G. VCF-style: chr20-58909392-A-G. GRCh37 (hg19) VCF-style: chr20-57484447-A-G.
Other names: c.631A>G, p.Thr211Ala (NM_001077488.5); c.583A>G, p.Thr195Ala (NM_001077489.4); c.*489A>G (NM_001077490.3); c.451A>G, p.Thr151Ala (NM_001309840.2, NM_001309861.2); c.532A>G, p.Thr178Ala (NM_001410912.1); c.2512A>G, p.Thr838Ala (NM_001410913.1); c.*534A>G (NM_016592.5); c.2557A>G, p.Thr853Ala (NM_080425.4); and 1 more; short protein forms T151A, T178A, T195A, T196A, T210A, T211A, T838A, T853A.
Identifiers: ClinVar variation 1712727 (VCV001712727.2), dbSNP rs2517239383, ClinGen allele CA409452166.

ClinVar aggregate classification (germline): Uncertain significance (1 of 4 stars; one submission).

Submission:

GeneDx
Classification: Uncertain significance. Last evaluated: 2022-04-27. Review status: criteria provided, single submitter. Criteria: GeneDx Variant Classification Process June 2021. Collection method: clinical testing. Allele origin: germline. Affected: yes.
Comment: Not observed at significant frequency in large population cohorts (gnomAD); In silico analysis supports that this missense variant has a deleterious effect on protein structure/function; Has not been previously published as pathogenic or benign to our knowledge